The following is an entry in ClinVar:

ClinVar aggregate classification (germline): Uncertain significance (1 of 4 stars; one submission).

Submission:

Women's Health and Genetics/Laboratory Corporation of America, LabCorp
Classification: Uncertain significance. Last evaluated: 2026-01-27. Review status: criteria provided, single submitter. Criteria: LabCorp Variant Classification Summary - May 2015. Collection method: clinical testing. Allele origin: germline.
Comment: Variant summary: P2RY12 c.739_742delATTT (p.Ile247ValfsX14) results in a premature termination codon in the last exon, predicted to cause a truncation of the encoded protein, however, nonsense mediated decay is not expected to occur. The variant allele was found at a frequency of 8e-06 in 250592 control chromosomes. To our knowledge, no occurrence of c.739_742delATTT in individuals affected with P2RY12-related conditions and no experimental evidence demonstrating its impact on protein function have been reported. No submitters have cited clinical-significance assessments for this variant to ClinVar. Based on the evidence outlined above, the variant was classified as uncertain significance.

NM_022788.5(P2RY12):c.739_742del (p.Ile247fs)

Genes: MED12L (mediator complex subunit 12L; plus strand), P2RY12 (purinergic receptor P2Y12; minus strand). Cytogenetic location: 3q25.1.
Variant type: Deletion.
Coding change: c.739_742del on transcript NM_022788.5 (MANE Select); coding-DNA positions 739 to 742, 4 bases deleted (ATTT; older notation c.739_742delATTT).
Protein change: p.Ile247fs; shifts the reading frame from isoleucine 247.
Molecular consequence: frameshift variant. On other transcripts: intron variant (2).
Genome position (GRCh38, 1-based): chr3:151,338,104-151,338,107, AAAT deleted on the plus strand (ATTT on the coding strand, the reverse complement: P2RY12 is on the minus strand); deleting any 4 consecutive bases within chr3:151,338,104-151,338,110 gives the same sequence; the c. name uses the placement nearest the transcript's 3' end. VCF-style (leftmost placement, unchanged base first): chr3-151338103-CAAAT-C. GRCh37 (hg19) VCF-style: chr3-151055891-CAAAT-C.
Other names: c.739_742del, p.Ile247fs (NM_176876.3); c.2251-11952_2251-11949del (NM_001393769.1); c.2146-11952_2146-11949del (NM_053002.6); c.739_742delATTT (NM_022788.5); short protein forms I247fs.
Identifiers: ClinVar variation 4689408 (VCV004689408.1).